The following is an entry in ClinVar:

ClinVar aggregate classification (germline): Benign. Review status: criteria provided, multiple submitters, no conflicts (2 of 4 stars). 2 submissions from 2 submitters: Benign (2). Last evaluated 2024-07-31.

Submissions (2):

Unidad de Genómica Garrahan, Hospital de Pediatría Garrahan
Classification: Benign. Last evaluated: 2024-07-31. Review status: criteria provided, single submitter. Criteria: ACMG Guidelines, 2015. Collection method: clinical testing. Allele origin: germline. Affected: no. Observed: 19 variant alleles.
Comment: This variant is classified as Benign based on local population frequency. This variant was detected in 20% of patients studied in a panel designed for Epileptic and Developmental Encephalopathy, Progressive Myoclonus Epilepsy and Abnormal Movements and Neurodegeneration with brain iron accumulation. Number of patients: 19. Only high quality variants are reported.

GeneDx
Classification: Benign. Last evaluated: 2021-03-28. Review status: criteria provided, single submitter. Criteria: GeneDx Variant Classification Process June 2021. Collection method: clinical testing. Allele origin: germline. Affected: yes.

NM_001082971.2(DDC):c.1140+81dup

Gene: DDC (dopa decarboxylase; minus strand). Cytogenetic location: 7p12.2.
Variant type: Duplication.
Coding change: c.1140+81dup on transcript NM_001082971.2 (MANE Select); 81 bases into the intron after coding-DNA position 1140, one base duplicated (T; older notation c.1140+81dupT).
Molecular consequence: intron variant.
Genome position (GRCh38, 1-based): chr7:50,469,980, A duplicated on the plus strand (T on the coding strand, the reverse complement: DDC is on the minus strand); the first of 13 consecutive A bases (chr7:50,469,980-50,469,992); duplicating any one gives the same sequence. VCF-style (leftmost placement, unchanged base first): chr7-50469979-C-CA. GRCh37 (hg19) VCF-style: chr7-50537677-C-CA.
Other names: c.906+81dup (NM_001242888.2); c.1026+81dup (NM_001242886.2); c.861+81dup (NM_001242889.2); c.996+81dup (NM_001242887.2); c.1140+81dup (NM_000790.4).
Identifiers: ClinVar variation 1287711 (VCV001287711.3), dbSNP rs11378977, ClinGen allele CA158224285.